The following is an entry in ClinVar:

ClinVar aggregate classification (germline): Pathogenic (1 of 4 stars; one submission).

Conditions:
Familial thoracic aortic aneurysm and aortic dissection (TAAD). Also called: Thoracic aortic aneurysms and dissections. Identifiers: Orphanet 91387, MedGen C4707243, MONDO:0019625.

Submission:

Ambry Genetics
Classification: Pathogenic for Familial thoracic aortic aneurysm and aortic dissection. Last evaluated: 2026-03-03. Review status: criteria provided, single submitter. Criteria: Ambry Variant Classification Scheme 2023. Collection method: clinical testing. Allele origin: germline.
Comment: The c.3989delA pathogenic mutation, located in coding exon 21 of the MYLK gene, results from a deletion of one nucleotide at nucleotide position 3989, causing a translational frameshift with a predicted alternate stop codon (p.K1330Sfs*19). This variant is considered to be rare based on population cohorts in the Genome Aggregation Database (gnomAD). This alteration is expected to result in loss of function by premature protein truncation or nonsense-mediated mRNA decay. As such, this alteration is interpreted as a disease-causing mutation.

NM_053025.4(MYLK):c.3989del (p.Lys1330fs)

Gene: MYLK (myosin light chain kinase; minus strand). Cytogenetic location: 3q21.1.
Variant type: Deletion.
Coding change: c.3989del on transcript NM_053025.4 (MANE Select); coding-DNA position 3989, one base deleted (A; older notation c.3989delA).
Protein change: p.Lys1330fs; shifts the reading frame from lysine 1330.
Molecular consequence: frameshift variant.
Genome position (GRCh38, 1-based): chr3:123,657,425, T deleted on the plus strand (A on the coding strand, the reverse complement: MYLK is on the minus strand); the first of 2 consecutive T bases (chr3:123,657,425-123,657,426); deleting either gives the same sequence. VCF-style (leftmost placement, unchanged base first): chr3-123657424-CT-C. GRCh37 (hg19) VCF-style: chr3-123376271-CT-C.
Other names: c.3461del, p.Lys1154fs (NM_001321309.2); c.3782del, p.Lys1261fs (NM_053026.4, NM_053028.4); c.3989del, p.Lys1330fs (NM_053027.4); short protein forms K1154fs, K1330fs, K1261fs.
Identifiers: ClinVar variation 4825148 (VCV004825148.1).